The following is an entry in ClinVar:

NM_004484.4(GPC3):c.27C>G (p.Cys9Trp)

Gene: GPC3 (glypican 3; minus strand). Cytogenetic location: Xq26.2.
Variant type: single nucleotide variant.
Coding change: c.27C>G on transcript NM_004484.4 (MANE Select); coding-DNA position 27, C replaced by G.
Protein change: p.Cys9Trp; replaces cysteine 9 with tryptophan.
Molecular consequence: missense variant.
Genome position (GRCh38, 1-based): chrX:133,985,423, G>C on the plus strand (C>G on the coding strand, the complement: GPC3 is on the minus strand). VCF-style: chrX-133985423-G-C. GRCh37 (hg19) VCF-style: chrX-133119450-G-C.
Other names: c.27C>G, p.Cys9Trp (NM_001164617.2, NM_001164618.2, NM_001164619.2); short protein forms C9W.
Identifiers: ClinVar variation 1983635 (VCV001983635.4), dbSNP rs2521972248, ClinGen allele CA414707193.

ClinVar aggregate classification (germline): Uncertain significance (1 of 4 stars; one submission).

Conditions:
Wilms tumor 1 (WT1). Also called: Wilms tumor, somatic. Identifiers: Orphanet 654, MedGen CN033288, MONDO:0008679, OMIM 194070.

Submission:

Labcorp Genetics (formerly Invitae), Labcorp
Classification: Uncertain significance for Wilms tumor 1. Last evaluated: 2022-06-12. Review status: criteria provided, single submitter. Criteria: Invitae Variant Classification Sherloc (09022015). Collection method: clinical testing. Allele origin: germline.
Comment: In summary, the available evidence is currently insufficient to determine the role of this variant in disease. Therefore, it has been classified as a Variant of Uncertain Significance. Algorithms developed to predict the effect of sequence changes on RNA splicing suggest that this variant may create or strengthen a splice site. Algorithms developed to predict the effect of missense changes on protein structure and function are either unavailable or do not agree on the potential impact of this missense change (SIFT: "Deleterious"; PolyPhen-2: "Probably Damaging"; Align-GVGD: "Class C0"). This variant has not been reported in the literature in individuals affected with GPC3-related conditions. This variant is not present in population databases (gnomAD no frequency). This sequence change replaces cysteine, which is neutral and slightly polar, with tryptophan, which is neutral and slightly polar, at codon 9 of the GPC3 protein (p.Cys9Trp).